The following is an entry in ClinVar:

ClinVar aggregate classification (germline): Uncertain significance (1 of 4 stars; one submission).

Submission:

Labcorp Genetics (formerly Invitae), Labcorp
Classification: Uncertain significance. Last evaluated: 2024-07-17. Review status: criteria provided, single submitter. Criteria: Invitae Variant Classification Sherloc (09022015). Collection method: clinical testing. Allele origin: germline.
Comment: This sequence change replaces glycine, which is neutral and non-polar, with glutamic acid, which is acidic and polar, at codon 1046 of the TAOK2 protein (p.Gly1046Glu). This variant is not present in population databases (gnomAD no frequency). This variant has not been reported in the literature in individuals affected with TAOK2-related conditions. An algorithm developed to predict the effect of missense changes on protein structure and function (PolyPhen-2) suggests that this variant is likely to be disruptive. In summary, the available evidence is currently insufficient to determine the role of this variant in disease. Therefore, it has been classified as a Variant of Uncertain Significance.

NM_016151.4(TAOK2):c.3137G>A (p.Gly1046Glu)

Gene: TAOK2 (TAO kinase 2; plus strand). Cytogenetic location: 16p11.2.
Variant type: single nucleotide variant.
Coding change: c.3137G>A on transcript NM_016151.4 (MANE Select); coding-DNA position 3137, G replaced by A.
Protein change: p.Gly1046Glu; replaces glycine 1046 with glutamic acid.
Molecular consequence: missense variant. On other transcripts: intron variant (1).
Genome position (GRCh38, 1-based): chr16:29,987,409, G>A. VCF-style: chr16-29987409-G-A. GRCh37 (hg19) VCF-style: chr16-29998730-G-A.
Other names: c.2798G>A, p.Gly933Glu (NM_001252043.2); c.2232+905G>A (NM_004783.4); short protein forms G1046E, G933E.
Identifiers: ClinVar variation 3659711 (VCV003659711.2).